The following is an entry in ClinVar:

ClinVar aggregate classification (germline): Uncertain significance (1 of 4 stars; one submission).

Conditions:
TRPV5-related disorder. Also called: TRPV5-related condition.

gnomAD v4.1: 2 of 1,614,098 alleles (0.00012%); highest among the groups gnomAD compares: Non-Finnish European, 0.00017%; no homozygotes.

Submission:

PreventionGenetics, part of Exact Sciences
Classification: Uncertain significance for TRPV5-related condition. Last evaluated: 2026-06-19. Review status: criteria provided, single submitter. Criteria: ACMG Guidelines, 2015. Collection method: clinical testing. Allele origin: germline.
Comment: The TRPV5 c.866A>T variant is predicted to result in the amino acid substitution p.Glu289Val. To our knowledge, this variant has not been reported in the literature. This variant is reported in 0.00088% of alleles in individuals of European (non-Finnish) descent in gnomAD. At this time, the clinical significance of this variant is uncertain due to the absence of conclusive functional and genetic evidence.

NM_019841.7(TRPV5):c.866A>T (p.Glu289Val)

Gene: TRPV5 (transient receptor potential cation channel subfamily V member 5; minus strand). Cytogenetic location: 7q34.
Variant type: single nucleotide variant.
Coding change: c.866A>T on transcript NM_019841.7 (MANE Select); coding-DNA position 866, A replaced by T.
Protein change: p.Glu289Val; replaces glutamic acid 289 with valine.
Molecular consequence: missense variant.
Genome position (GRCh38, 1-based): chr7:142,928,131, T>A on the plus strand (A>T on the coding strand, the complement: TRPV5 is on the minus strand). VCF-style: chr7-142928131-T-A. GRCh37 (hg19) VCF-style: chr7-142625226-T-A.
Other names: short protein forms E289V.
Identifiers: ClinVar variation 4999537 (VCV004999537.1).